The following is an entry in ClinVar:

NM_001080467.3(MYO5B):c.4922G>A (p.Arg1641His)

Genes: MYO5B (myosin VB; minus strand), SNHG22 (small nucleolar RNA host gene 22; plus strand). Cytogenetic location: 18q21.1.
Variant type: single nucleotide variant.
Coding change: c.4922G>A on transcript NM_001080467.3 (MANE Select); coding-DNA position 4922, G replaced by A.
Protein change: p.Arg1641His; replaces arginine 1641 with histidine.
Molecular consequence: missense variant.
Genome position (GRCh38, 1-based): chr18:49,837,733, C>T on the plus strand (G>A on the coding strand, the complement: MYO5B is on the minus strand). VCF-style: chr18-49837733-C-T. GRCh37 (hg19) VCF-style: chr18-47364103-C-T.
Other names: short protein forms R1641H.
Identifiers: ClinVar variation 1935006 (VCV001935006.3), dbSNP rs756813138, ClinGen allele CA8960187.

ClinVar aggregate classification (germline): Uncertain significance (1 of 4 stars; one submission).

Allele frequency attached by ClinVar (database versions not stated): gnomAD exomes 0.00002; gnomAD 0.00003; TOPMed 0.00003; ExAC 0.00169.
gnomAD v4.1: 41 of 1,614,052 alleles (0.0025%); highest among the groups gnomAD compares: South Asian, 0.0077%; no homozygotes.

Submission:

Labcorp Genetics (formerly Invitae), Labcorp
Classification: Uncertain significance. Last evaluated: 2022-04-06. Review status: criteria provided, single submitter. Criteria: Invitae Variant Classification Sherloc (09022015). Collection method: clinical testing. Allele origin: germline.
Comment: This sequence change replaces arginine, which is basic and polar, with histidine, which is basic and polar, at codon 1641 of the MYO5B protein (p.Arg1641His). The frequency data for this variant in the population databases is considered unreliable, as metrics indicate poor data quality at this position in the gnomAD database. This variant has not been reported in the literature in individuals affected with MYO5B-related conditions. Algorithms developed to predict the effect of missense changes on protein structure and function are either unavailable or do not agree on the potential impact of this missense change (SIFT: "Deleterious"; PolyPhen-2: "Possibly Damaging"; Align-GVGD: "Class C0"). In summary, the available evidence is currently insufficient to determine the role of this variant in disease. Therefore, it has been classified as a Variant of Uncertain Significance.